The following is an entry in ClinVar:

NM_000203.5(IDUA):c.1190-11_1190-10dup

Gene: IDUA (alpha-L-iduronidase; plus strand). Cytogenetic location: 4p16.3.
Variant type: Duplication.
Coding change: c.1190-11_1190-10dup on transcript NM_000203.5 (MANE Select); 11 bases into the intron before coding-DNA position 1190 through 10 bases into the intron before coding-DNA position 1190, 2 bases duplicated (CC; older notation c.1190-11_1190-10dupCC).
Molecular consequence: intron variant.
Genome position (GRCh38, 1-based): chr4:1,002,721-1,002,722, CC duplicated; duplicating any 2 consecutive bases within chr4:1,002,714-1,002,722 gives the same sequence; the c. name uses the placement nearest the transcript's 3' end. VCF-style (leftmost placement, unchanged base first): chr4-1002713-G-GCC. GRCh37 (hg19) VCF-style: chr4-996501-G-GCC.
Other names: p.?; c.1190-11_1190-10dupCC (NM_000203.4); c.794-11_794-10dup (NM_001363576.1).
Identifiers: ClinVar variation 1600766 (VCV001600766.11), dbSNP rs150523349, ClinGen allele CA2802221.

ClinVar aggregate classification (germline): Benign/Likely benign. Review status: criteria provided, multiple submitters, no conflicts (2 of 4 stars). 4 submissions from 4 submitters: Benign (2); Likely benign (2). Last evaluated 2026-01-06.

Conditions:
IDUA-related disorder. Also called: IDUA-related condition.
Mucopolysaccharidosis type 1. Also called: IDUA deficiency; MPS I; Mucopolysaccharidosis Type I. Identifiers: Orphanet 579, MedGen C0023786, MONDO:0001586.

Submissions (4):

Labcorp Genetics (formerly Invitae), Labcorp
Classification: Benign for Mucopolysaccharidosis type 1. Last evaluated: 2026-01-06. Review status: criteria provided, single submitter. Criteria: Invitae Variant Classification Sherloc (09022015). Collection method: clinical testing. Allele origin: germline.

Mayo Clinic Laboratories, Mayo Clinic
Classification: Likely benign. Last evaluated: 2025-08-26. Review status: criteria provided, single submitter. Criteria: ACMG Guidelines, 2015. Collection method: clinical testing. Allele origin: germline. Observed: 2 variant alleles.
Comment: BS1, BP4, BP7

PreventionGenetics, part of Exact Sciences
Classification: Benign for IDUA-related condition. Last evaluated: 2024-12-19. Review status: criteria provided, single submitter. Criteria: ACMG Guidelines, 2015. Collection method: clinical testing. Allele origin: germline.
Comment: This variant is classified as benign based on ACMG/AMP sequence variant interpretation guidelines (Richards et al. 2015 PMID: 25741868, with internal and published modifications).

Blueprint Genetics
Classification: Likely benign. Last evaluated: 2024-10-28. Review status: criteria provided, single submitter. Criteria: ACMG Guidelines, 2015. Collection method: clinical testing. Allele origin: germline.

Literature cited by the submitters: PubMed 28649516 (cited by Mayo Clinic Laboratories, Mayo Clinic).